The following is an entry in ClinVar:

NM_000091.5(COL4A3):c.3338G>A (p.Gly1113Glu)

Genes: MFF-DT (MFF divergent transcript; minus strand), COL4A3 (collagen type IV alpha 3 chain; plus strand). Cytogenetic location: 2q36.3.
Variant type: single nucleotide variant.
Coding change: c.3338G>A on transcript NM_000091.5 (MANE Select); coding-DNA position 3338, G replaced by A.
Protein change: p.Gly1113Glu; replaces glycine 1113 with glutamic acid.
Molecular consequence: missense variant.
Genome position (GRCh38, 1-based): chr2:227,294,490, G>A. VCF-style: chr2-227294490-G-A. GRCh37 (hg19) VCF-style: chr2-228159206-G-A.
Other names: short protein forms G1113E.
Identifiers: ClinVar variation 4817246 (VCV004817246.1).

ClinVar aggregate classification (germline): Likely pathogenic (1 of 4 stars; one submission).

Conditions:
Alport syndrome. Also called: Hemorrhagic familial nephritis; Hemorrhagic hereditary nephritis; Congenital hereditary hematuria. Identifiers: Orphanet 63, MedGen C1567741, MONDO:0018965.

Submission:

Natera, Inc.
Classification: Likely pathogenic for Alport syndrome. Last evaluated: 2025-08-21. Review status: criteria provided, single submitter. Criteria: Natera Variant Classification Schema (03/2026). Collection method: clinical testing. Allele origin: germline.
Comment: The c.3338G>A variant in COL4A3 is a missense variant predicted to cause substitution of glycine to glutamic acid at amino acid 1113. This variant is rare in the general population with a frequency below the threshold expected for the associated phenotype(s). This variant is located in a functionally critical region of the protein. Computational prediction algorithms indicate this variant is likely to affect gene or protein function. Given the available evidence, this variant is classified as Likely Pathogenic.